The following is an entry in ClinVar:

NM_012243.3(SLC35A3):c.211C>T (p.Arg71Ter)

Gene: SLC35A3 (solute carrier family 35 member A3; plus strand). Cytogenetic location: 1p21.2.
Variant type: single nucleotide variant.
Coding change: c.211C>T on transcript NM_012243.3 (MANE Select); coding-DNA position 211, C replaced by T.
Protein change: p.Arg71Ter; replaces arginine 71 with a stop codon.
Molecular consequence: nonsense.
Genome position (GRCh38, 1-based): chr1:99,999,284, C>T. VCF-style: chr1-99999284-C-T. GRCh37 (hg19) VCF-style: chr1-100464840-C-T.
Other names: c.211C>T, p.Arg71Ter (NM_001271684.2); c.337C>T, p.Arg113Ter (NM_001271685.2); c.211C>T (NM_012243.2); short protein forms R113*, R71*.
Identifiers: ClinVar variation 1071574 (VCV001071574.6), dbSNP rs778502240, ClinGen allele CA967545.

ClinVar aggregate classification (germline): Pathogenic/Likely pathogenic. Review status: criteria provided, multiple submitters, no conflicts (2 of 4 stars). 2 submissions from 2 submitters: Pathogenic (1); Likely pathogenic (1). Last evaluated 2024-08-28.

Conditions:
Autism spectrum disorder - epilepsy - arthrogryposis syndrome (AMRS). Identifiers: Orphanet 370943, MedGen C3809910, MONDO:0014248, OMIM 615553.

Allele frequency attached by ClinVar (database versions not stated): ExAC 0.00001; gnomAD exomes 0.00001.

Submissions (2):

Natera, Inc.
Classification: Likely pathogenic for Arthrogryposis, mental retardation, and seizures. Last evaluated: 2024-08-28. Review status: criteria provided, single submitter. Criteria: Natera Variant Classification Schema (03/2026). Collection method: clinical testing. Allele origin: germline.
Comment: The c.211C>T variant in SLC35A3 is a nonsense variant predicted to introduce a stop codon at amino acid 71. This variant is expected to result in nonsense mediated decay, truncation, or a dysfunctional protein product. This variant is rare in the general population with a frequency below the threshold expected for the associated phenotype(s). Given the available evidence, this variant is classified as Likely Pathogenic.

Labcorp Genetics (formerly Invitae), Labcorp
Classification: Pathogenic for Autism spectrum disorder - epilepsy - arthrogryposis syndrome. Last evaluated: 2020-10-27. Review status: criteria provided, single submitter. Criteria: Invitae Variant Classification Sherloc (09022015). Collection method: clinical testing. Allele origin: germline.
Comment: This sequence change creates a premature translational stop signal (p.Arg71*) in the SLC35A3 gene. It is expected to result in an absent or disrupted protein product. Loss-of-function variants in SLC35A3 are known to be pathogenic (PMID: 24031089, 28328131). This variant is present in population databases (rs778502240, ExAC 0.002%). This variant has not been reported in the literature in individuals with SLC35A3-related conditions. For these reasons, this variant has been classified as Pathogenic.

Literature cited by the submitters: PubMed 24031089 (cited by Labcorp Genetics (formerly Invitae), Labcorp); PubMed 28328131 (cited by Labcorp Genetics (formerly Invitae), Labcorp).